The following is an entry in ClinVar:

NM_004168.4(SDHA):c.523G>C (p.Gly175Arg)

Gene: SDHA (succinate dehydrogenase complex flavoprotein subunit A; plus strand). Cytogenetic location: 5p15.33.
Variant type: single nucleotide variant.
Coding change: c.523G>C on transcript NM_004168.4 (MANE Select); coding-DNA position 523, G replaced by C.
Protein change: p.Gly175Arg; replaces glycine 175 with arginine.
Molecular consequence: missense variant.
Genome position (GRCh38, 1-based): chr5:225,949, G>C. VCF-style: chr5-225949-G-C. GRCh37 (hg19) VCF-style: chr5-226064-G-C.
Other names: c.379G>C, p.Gly127Arg (NM_001294332.2); c.523G>C, p.Gly175Arg (NM_001330758.2); short protein forms G127R, G175R.
Identifiers: ClinVar variation 825580 (VCV000825580.14), dbSNP rs753004001, ClinGen allele CA359010192.
Genomic context (GRCh38, chr5:225,949, plus strand): 5'-AATTATGGCATGCCGTTTAGCAGAACTGAAGATGGGAAGATTTATCAGCGTGCATTTGGT[G>C]GACAGAGCCTCAAGTTTGGAAAGGGCGGGCAGGCCCATCGGTGCTGCTGTGTGGCTGATC-3'
Protein context (NP_004159.2, residues 165-185): DGKIYQRAFG[Gly175Arg]QSLKFGKGGQ

ClinVar aggregate classification (germline): Uncertain significance. Review status: criteria provided, multiple submitters, no conflicts (2 of 4 stars). 2 submissions from 2 submitters: Uncertain significance (2). Last evaluated 2026-06-05.

Conditions:
Pheochromocytoma/paraganglioma syndrome 5. Also called: Paragangliomas 5; SDHA-Related Hereditary Paraganglioma-Pheochromocytoma Syndrome. Identifiers: Orphanet 29072, MedGen C3279992, MONDO:0013602, OMIM 614165.
Mitochondrial complex II deficiency, nuclear type 1. Also called: SUCCINATE CoQ REDUCTASE DEFICIENCY. Identifiers: Orphanet 3208, MedGen C5700310, MONDO:0100294, OMIM 252011.
Hereditary cancer-predisposing syndrome. Also called: Tumor predisposition; Hereditary neoplastic syndrome; Neoplastic Syndromes, Hereditary; Hereditary Cancer Syndrome. Identifiers: Orphanet 140162, MedGen C0027672, MeSH D009386, MONDO:0015356.

Submissions (2):

Ambry Genetics
Classification: Uncertain significance for Hereditary cancer-predisposing syndrome. Last evaluated: 2026-06-05. Review status: criteria provided, single submitter. Criteria: Ambry Variant Classification Scheme 2023. Collection method: clinical testing. Allele origin: germline.
Comment: The p.G175R variant (also known as c.523G>C), located in coding exon 5 of the SDHA gene, results from a G to C substitution at nucleotide position 523. The glycine at codon 175 is replaced by arginine, an amino acid with dissimilar properties. This amino acid position is highly conserved in available vertebrate species. In addition, this alteration is predicted to be deleterious by in silico analysis. Based on the available evidence, the clinical significance of this variant remains unclear.

Labcorp Genetics (formerly Invitae), Labcorp
Classification: Uncertain significance for Pheochromocytoma/paraganglioma syndrome 5; Mitochondrial complex II deficiency, nuclear type 1. Last evaluated: 2022-10-13. Review status: criteria provided, single submitter. Criteria: Invitae Variant Classification Sherloc (09022015). Collection method: clinical testing. Allele origin: germline.
Comment: This sequence change replaces glycine, which is neutral and non-polar, with arginine, which is basic and polar, at codon 175 of the SDHA protein (p.Gly175Arg). This variant is not present in population databases (gnomAD no frequency). This variant has not been reported in the literature in individuals affected with SDHA-related conditions. ClinVar contains an entry for this variant (Variation ID: 825580). Algorithms developed to predict the effect of missense changes on protein structure and function (SIFT, PolyPhen-2, Align-GVGD) all suggest that this variant is likely to be disruptive. In summary, the available evidence is currently insufficient to determine the role of this variant in disease. Therefore, it has been classified as a Variant of Uncertain Significance.